The following is an entry in ClinVar:

ClinVar aggregate classification (germline): Pathogenic. Review status: criteria provided, multiple submitters, no conflicts (2 of 4 stars). 2 submissions from 2 submitters: Pathogenic (2). Last evaluated 2024-02-02.

Conditions:
Familial cancer of breast. Also called: Hereditary breast cancer; hereditary breast carcinoma; BREAST CANCER, FAMILIAL. Identifiers: Orphanet 227535, MedGen C0346153, MONDO:0016419, OMIM 114480. Disease mechanism: loss of function.
Hereditary cancer-predisposing syndrome. Also called: Hereditary neoplastic syndrome; Neoplastic Syndromes, Hereditary; Tumor predisposition; Hereditary Cancer Syndrome. Identifiers: Orphanet 140162, MedGen C0027672, MeSH D009386, MONDO:0015356.

Submissions (2):

Myriad Genetics, Inc.
Classification: Pathogenic for Familial cancer of breast. Last evaluated: 2024-02-02. Review status: criteria provided, single submitter. Criteria: Myriad Autosomal Dominant, Autosomal Recessive and X-Linked Classification Criteria (2023). Collection method: clinical testing. Allele origin: unknown.
Comment: This variant is considered pathogenic. This variant creates a frameshift predicted to result in premature protein truncation.

Ambry Genetics
Classification: Pathogenic for Hereditary cancer-predisposing syndrome. Last evaluated: 2020-08-11. Review status: criteria provided, single submitter. Criteria: Ambry Variant Classification Scheme 2023. Collection method: clinical testing. Allele origin: germline.
Comment: The c.8381_8382delATinsC pathogenic mutation, located in coding exon 56 of the ATM gene, results from the deletion of two nucleotides and insertion of one nucleotide causing a translational frameshift with a predicted alternate stop codon (p.N2794Tfs*12). This alteration is expected to result in loss of function by premature protein truncation or nonsense-mediated mRNA decay. As such, this alteration is interpreted as a disease-causing mutation.

NM_000051.4(ATM):c.8381_8382delinsC (p.Asn2794fs)

Genes: C11orf65 (chromosome 11 open reading frame 65; minus strand), ATM (ATM serine/threonine kinase; plus strand). Cytogenetic location: 11q22.3.
Variant type: Indel.
Coding change: c.8381_8382delinsC on transcript NM_000051.4 (MANE Select); coding-DNA positions 8381 to 8382, AT replaced by C.
Protein change: p.Asn2794fs; shifts the reading frame from asparagine 2794.
Molecular consequence: frameshift variant. On other transcripts: intron variant (2).
Genome position (GRCh38, 1-based): chr11:108,343,334-108,343,335, AT replaced by C. VCF-style: chr11-108343334-AT-C. GRCh37 (hg19) VCF-style: chr11-108214061-AT-C.
Other names: c.8381_8382delinsC, p.Asn2794fs (NM_001351834.2); c.641-34264_641-34263delinsG (NM_001330368.2); c.695-8043_695-8042delinsG (NM_001351110.2); short protein forms N2794fs.
Identifiers: ClinVar variation 1763165 (VCV001763165.2), dbSNP rs2547418736, ClinGen allele CA2580083393.